The following is an entry in ClinVar:

ClinVar aggregate classification (germline): Likely pathogenic (1 of 4 stars; one submission).

Submission:

Labcorp Genetics (formerly Invitae), Labcorp
Classification: Likely pathogenic. Last evaluated: 2024-08-15. Review status: criteria provided, single submitter. Criteria: Invitae Variant Classification Sherloc (09022015). Collection method: clinical testing. Allele origin: germline.
Comment: This sequence change affects a donor splice site in intron 3 of the ALPL gene. It is expected to disrupt RNA splicing. Variants that disrupt the donor or acceptor splice site typically lead to a loss of protein function (PMID: 16199547), and loss-of-function variants in ALPL are known to be pathogenic (PMID: 3174660, 10679946, 32973344, 33814268). This variant is not present in population databases (gnomAD no frequency). This variant has not been reported in the literature in individuals affected with ALPL-related conditions. Algorithms developed to predict the effect of sequence changes on RNA splicing suggest that this variant may disrupt the consensus splice site. In summary, the currently available evidence indicates that the variant is pathogenic, but additional data are needed to prove that conclusively. Therefore, this variant has been classified as Likely Pathogenic.

Literature cited by the submitters: PubMed 16199547; PubMed 3174660; PubMed 10679946; PubMed 32973344; PubMed 33814268.

NM_000478.6(ALPL):c.181+1G>A

Gene: ALPL (alkaline phosphatase, biomineralization associated; plus strand). Cytogenetic location: 1p36.12.
Variant type: single nucleotide variant.
Coding change: c.181+1G>A on transcript NM_000478.6 (MANE Select); the canonical splice donor site of the intron after coding-DNA position 181, G replaced by A.
Molecular consequence: splice donor variant.
Genome position (GRCh38, 1-based): chr1:21,560,746, G>A. VCF-style: chr1-21560746-G-A. GRCh37 (hg19) VCF-style: chr1-21887239-G-A.
Other names: c.181+1G>A (NM_001369805.2, NM_001369804.2, NM_001369803.2); c.16+1G>A (NM_001127501.4); c.66+1G>A (NM_001177520.3).
Identifiers: ClinVar variation 3688821 (VCV003688821.2).